The following is an entry in ClinVar:

NM_001034850.3(RETREG1):c.907G>A (p.Val303Met)

Gene: RETREG1 (reticulophagy regulator 1; minus strand). Cytogenetic location: 5p15.1.
Variant type: single nucleotide variant.
Coding change: c.907G>A on transcript NM_001034850.3 (MANE Select); coding-DNA position 907, G replaced by A.
Protein change: p.Val303Met; replaces valine 303 with methionine.
Molecular consequence: missense variant.
Genome position (GRCh38, 1-based): chr5:16,477,755, C>T on the plus strand (G>A on the coding strand, the complement: RETREG1 is on the minus strand). VCF-style: chr5-16477755-C-T. GRCh37 (hg19) VCF-style: chr5-16477864-C-T.
Other names: c.484G>A, p.Val162Met (NM_019000.5); short protein forms V303M, V162M.
Identifiers: ClinVar variation 2022481 (VCV002022481.4), dbSNP rs1202823800, ClinGen allele CA359257975.

ClinVar aggregate classification (germline): Uncertain significance (1 of 4 stars; one submission).

Allele frequency attached by ClinVar (database versions not stated): gnomAD 0.00001.

Submission:

Labcorp Genetics (formerly Invitae), Labcorp
Classification: Uncertain significance. Last evaluated: 2022-08-07. Review status: criteria provided, single submitter. Criteria: Invitae Variant Classification Sherloc (09022015). Collection method: clinical testing. Allele origin: germline.
Comment: In summary, the available evidence is currently insufficient to determine the role of this variant in disease. Therefore, it has been classified as a Variant of Uncertain Significance. Algorithms developed to predict the effect of missense changes on protein structure and function are either unavailable or do not agree on the potential impact of this missense change (SIFT: "Deleterious"; PolyPhen-2: "Probably Damaging"; Align-GVGD: "Class C0"). This variant has not been reported in the literature in individuals affected with RETREG1-related conditions. This variant is present in population databases (no rsID available, gnomAD 0.01%). This sequence change replaces valine, which is neutral and non-polar, with methionine, which is neutral and non-polar, at codon 303 of the RETREG1 protein (p.Val303Met).